The following is an entry in ClinVar:

ClinVar aggregate classification (germline): Likely benign (1 of 4 stars; one submission).

Conditions:
PLXNA1-related disorder. Also called: PLXNA1-related condition.

gnomAD v4.1: 7 of 1,613,930 alleles (0.00043%); highest among the groups gnomAD compares: African/African-American, 0.0013%; no homozygotes.

Submission:

PreventionGenetics, part of Exact Sciences
Classification: Likely benign for PLXNA1-related condition. Last evaluated: 2026-05-29. Review status: criteria provided, single submitter. Criteria: ACMG Guidelines, 2015. Collection method: clinical testing. Allele origin: germline.
Comment: This variant is classified as likely benign based on ACMG/AMP sequence variant interpretation guidelines (Richards et al. 2015 PMID: 25741868, with internal and published modifications).

NM_032242.4(PLXNA1):c.3105C>T (p.Leu1035=)

Gene: PLXNA1 (plexin A1; plus strand). Cytogenetic location: 3q21.3.
Variant type: single nucleotide variant.
Coding change: c.3105C>T on transcript NM_032242.4 (MANE Select); coding-DNA position 3105, C replaced by T.
Protein change: p.Leu1035=; no amino-acid change (leucine 1035 retained).
Molecular consequence: synonymous variant.
Genome position (GRCh38, 1-based): chr3:127,016,607, C>T. VCF-style: chr3-127016607-C-T. GRCh37 (hg19) VCF-style: chr3-126735450-C-T.
Identifiers: ClinVar variation 4997558 (VCV004997558.1).